The following is an entry in ClinVar:

NM_001365480.1(CCDC88A):c.25C>T (p.Leu9Phe)

Gene: CCDC88A (coiled-coil and HOOK domain protein 88A; minus strand). Cytogenetic location: 2p16.1.
Variant type: single nucleotide variant.
Coding change: c.25C>T on transcript NM_001365480.1 (MANE Select); coding-DNA position 25, C replaced by T.
Protein change: p.Leu9Phe; replaces leucine 9 with phenylalanine.
Molecular consequence: missense variant.
Genome position (GRCh38, 1-based): chr2:55,419,055, G>A on the plus strand (C>T on the coding strand, the complement: CCDC88A is on the minus strand). VCF-style: chr2-55419055-G-A. GRCh37 (hg19) VCF-style: chr2-55646191-G-A.
Other names: c.25C>T, p.Leu9Phe (NM_001135597.2, NM_001254943.2, NM_018084.5); short protein forms L9F.
Identifiers: ClinVar variation 1469172 (VCV001469172.8), dbSNP rs1346096967, ClinGen allele CA346913296.

ClinVar aggregate classification (germline): Uncertain significance (1 of 4 stars; one submission).

Submission:

Labcorp Genetics (formerly Invitae), Labcorp
Classification: Uncertain significance. Last evaluated: 2022-01-05. Review status: criteria provided, single submitter. Criteria: Invitae Variant Classification Sherloc (09022015). Collection method: clinical testing. Allele origin: germline.
Comment: This sequence change replaces leucine, which is neutral and non-polar, with phenylalanine, which is neutral and non-polar, at codon 9 of the CCDC88A protein (p.Leu9Phe). This variant is not present in population databases (gnomAD no frequency). This variant has not been reported in the literature in individuals affected with CCDC88A-related conditions. Algorithms developed to predict the effect of missense changes on protein structure and function (SIFT, PolyPhen-2, Align-GVGD) all suggest that this variant is likely to be tolerated. In summary, the available evidence is currently insufficient to determine the role of this variant in disease. Therefore, it has been classified as a Variant of Uncertain Significance.